The following is an entry in ClinVar:

NM_014413.4(EIF2AK1):c.10G>A (p.Gly4Ser)

Genes: EIF2AK1 (eukaryotic translation initiation factor 2 alpha kinase 1; minus strand), LOC129997920 (ATAC-STARR-seq lymphoblastoid silent region 17933; plus strand). Cytogenetic location: 7p22.1.
Variant type: single nucleotide variant.
Coding change: c.10G>A on transcript NM_014413.4 (MANE Select); coding-DNA position 10, G replaced by A.
Protein change: p.Gly4Ser; replaces glycine 4 with serine.
Molecular consequence: missense variant.
Genome position (GRCh38, 1-based): chr7:6,059,074, C>T on the plus strand (G>A on the coding strand, the complement: EIF2AK1 is on the minus strand). VCF-style: chr7-6059074-C-T. GRCh37 (hg19) VCF-style: chr7-6098705-C-T.
Other names: c.10G>A, p.Gly4Ser (NM_001134335.2); short protein forms G4S.
Identifiers: ClinVar variation 2417375 (VCV002417375.7), dbSNP rs766766697, ClinGen allele CA4151396.

ClinVar aggregate classification (germline): Uncertain significance (1 of 4 stars; one submission).

Allele frequency attached by ClinVar (database versions not stated): TOPMed below 0.00001; ExAC 0.00010.
gnomAD v4.1: 6 of 1,416,446 alleles (0.00042%); highest among the groups gnomAD compares: Admixed American, 0.021%; no homozygotes.

Submission:

Labcorp Genetics (formerly Invitae), Labcorp
Classification: Uncertain significance. Last evaluated: 2023-09-19. Review status: criteria provided, single submitter. Criteria: Invitae Variant Classification Sherloc (09022015). Collection method: clinical testing. Allele origin: germline.
Comment: This sequence change replaces glycine, which is neutral and non-polar, with serine, which is neutral and polar, at codon 4 of the EIF2AK1 protein (p.Gly4Ser). The frequency data for this variant in the population databases is considered unreliable, as metrics indicate poor data quality at this position in the gnomAD database. This variant has not been reported in the literature in individuals affected with EIF2AK1-related conditions. ClinVar contains an entry for this variant (Variation ID: 2417375). Algorithms developed to predict the effect of missense changes on protein structure and function output the following: SIFT: "Not Available"; PolyPhen-2: "Possibly Damaging"; Align-GVGD: "Not Available". The serine amino acid residue is found in multiple mammalian species, which suggests that this missense change does not adversely affect protein function. In summary, the available evidence is currently insufficient to determine the role of this variant in disease. Therefore, it has been classified as a Variant of Uncertain Significance.